The following is an entry in ClinVar:

ClinVar aggregate classification (germline): Uncertain significance (1 of 4 stars; one submission).

Conditions:
Bethlem myopathy 1A. Also called: Bethlem myopathy 1; Bethlem Muscular Dystrophy; MYOPATHY, BENIGN CONGENITAL, WITH CONTRACTURES. Identifiers: Orphanet 610, MedGen CN029274, MONDO:0024530, OMIM 158810.

Submission:

Labcorp Genetics (formerly Invitae), Labcorp
Classification: Uncertain significance for Bethlem myopathy 1A. Last evaluated: 2020-11-04. Review status: criteria provided, single submitter. Criteria: Invitae Variant Classification Sherloc (09022015). Collection method: clinical testing. Allele origin: germline.
Comment: This sequence change replaces glutamic acid with aspartic acid at codon 2453 of the COL6A3 protein (p.Glu2453Asp). The glutamic acid residue is highly conserved and there is a small physicochemical difference between glutamic acid and aspartic acid. In summary, the available evidence is currently insufficient to determine the role of this variant in disease. Therefore, it has been classified as a Variant of Uncertain Significance. Advanced modeling of protein sequence and biophysical properties (such as structural, functional, and spatial information, amino acid conservation, physicochemical variation, residue mobility, and thermodynamic stability) performed at Invitae indicates that this missense variant is not expected to disrupt COL6A3 protein function. This variant has not been reported in the literature in individuals with COL6A3-related conditions. This variant is not present in population databases (ExAC no frequency).

NM_004369.4(COL6A3):c.7359G>C (p.Glu2453Asp)

Gene: COL6A3 (collagen type VI alpha 3 chain; minus strand). Cytogenetic location: 2q37.3.
Variant type: single nucleotide variant.
Coding change: c.7359G>C on transcript NM_004369.4 (MANE Select); coding-DNA position 7359, G replaced by C.
Protein change: p.Glu2453Asp; replaces glutamic acid 2453 with aspartic acid.
Molecular consequence: missense variant.
Genome position (GRCh38, 1-based): chr2:237,344,659, C>G on the plus strand (G>C on the coding strand, the complement: COL6A3 is on the minus strand). VCF-style: chr2-237344659-C-G. GRCh37 (hg19) VCF-style: chr2-238253302-C-G.
Other names: c.5538G>C, p.Glu1846Asp (NM_057166.5); c.6741G>C, p.Glu2247Asp (NM_057167.4); short protein forms E2247D, E1846D, E2453D.
Identifiers: ClinVar variation 1496828 (VCV001496828.8), dbSNP rs114199044, ClinGen allele CA351203514.